The following is an entry in ClinVar:

NM_152443.3(RDH12):c.848+1G>C

Genes: ZFYVE26 (zinc finger FYVE-type containing 26; minus strand), GPHN (gephyrin; plus strand), RDH12 (retinol dehydrogenase 12; plus strand). Cytogenetic location: 14q24.1.
Variant type: single nucleotide variant.
Coding change: c.848+1G>C on transcript NM_152443.3 (MANE Select); the canonical splice donor site of the intron after coding-DNA position 848, G replaced by C.
Molecular consequence: splice donor variant.
Genome position (GRCh38, 1-based): chr14:67,729,381, G>C. VCF-style: chr14-67729381-G-C. GRCh37 (hg19) VCF-style: chr14-68196098-G-C.
Identifiers: ClinVar variation 2133258 (VCV002133258.4), dbSNP rs745369888, ClinGen allele CA390153550.
Genomic context (GRCh38, chr14:67,729,381, plus strand): 5'-GACCAGCCTGCACTGCGCCCTGGCTGAGGGCCTGGAGCCCCTGAGTGGCAAGTACTTCAG[G>C]TGTGTGAAGGCAATGCGGTTCTCTCCACCACCTGTGTGCATGGGAGGTGCCGGACTCGCT-3'

ClinVar aggregate classification (germline): Pathogenic (1 of 4 stars; one submission).

Conditions:
Leber congenital amaurosis 13 (LCA13). Identifiers: MedGen C2675186, MONDO:0012990, OMIM 612712.

Submission:

Labcorp Genetics (formerly Invitae), Labcorp
Classification: Pathogenic for Leber congenital amaurosis 13. Last evaluated: 2025-06-16. Review status: criteria provided, single submitter. Criteria: Invitae Variant Classification Sherloc (09022015). Collection method: clinical testing. Allele origin: germline.
Comment: This sequence change affects a donor splice site in intron 8 of the RDH12 gene. While this variant is not anticipated to result in nonsense mediated decay, it likely alters RNA splicing and results in a disrupted protein product. This variant is not present in population databases (gnomAD no frequency). This variant has not been reported in the literature in individuals affected with RDH12-related conditions. ClinVar contains an entry for this variant (Variation ID: 2133258). Variants that disrupt the consensus splice site are a relatively common cause of aberrant splicing (PMID: 17576681, 9536098). Algorithms developed to predict the effect of sequence changes on RNA splicing suggest that this variant may disrupt the consensus splice site. This variant disrupts a region of the RDH12 protein in which other variant(s) (p.Trp304*) have been determined to be pathogenic (PMID: 20736127, 24625443). This suggests that this is a clinically significant region of the protein, and that variants that disrupt it are likely to be disease-causing. For these reasons, this variant has been classified as Pathogenic.

Literature cited by the submitters: PubMed 17576681; PubMed 9536098; PubMed 20736127; PubMed 24625443.